The following is an entry in ClinVar:

ClinVar aggregate classification (germline): Uncertain significance. Review status: criteria provided, multiple submitters, no conflicts (2 of 4 stars). 3 submissions from 3 submitters: Uncertain significance (2). 1 of the submissions does not count toward it. Last evaluated 2025-05-29.

Conditions:
Dyskeratosis congenita, autosomal recessive 5 (DKCB5). Identifiers: MedGen C3554656, MONDO:0014076, OMIM 615190.
Pulmonary fibrosis and/or bone marrow failure, Telomere-related, 3. Also called: PULMONARY FIBROSIS AND/OR BONE MARROW FAILURE SYNDROME, TELOMERE-RELATED, 3. Identifiers: Orphanet 2032, MedGen C4225346, MONDO:0014613, OMIM 616373.
Dyskeratosis congenita. Identifiers: Orphanet 1775, MedGen C0265965, MONDO:0015780.

Allele frequency attached by ClinVar (database versions not stated): gnomAD exomes 0.00004 and 0.00008; gnomAD 0.00005 and 0.00007; TOPMed 0.00008; ExAC 0.00010.
gnomAD v4.1: 61 of 1,563,212 alleles (0.0039%); highest among the groups gnomAD compares: Non-Finnish European, 0.0049%; no homozygotes.

Submissions (3):

GeneDx
Classification: Uncertain significance. Last evaluated: 2025-05-29. Review status: criteria provided, single submitter. Criteria: GeneDx Variant Classification Process June 2021. Collection method: clinical testing. Allele origin: germline.
Comment: In silico analysis suggests that this missense variant does not alter protein structure/function; This variant is associated with the following publications: (PMID: 37944684, 31826930)

Labcorp Genetics (formerly Invitae), Labcorp
Classification: Uncertain significance for Dyskeratosis congenita, autosomal recessive 5; Pulmonary fibrosis and/or bone marrow failure, Telomere-related, 3. Last evaluated: 2025-01-23. Review status: criteria provided, single submitter. Criteria: Invitae Variant Classification Sherloc (09022015). Collection method: clinical testing. Allele origin: germline.
Comment: This sequence change replaces glutamic acid, which is acidic and polar, with lysine, which is basic and polar, at codon 1198 of the RTEL1 protein (p.Glu1198Lys). This variant is present in population databases (rs771457769, gnomAD 0.02%). This missense change has been observed in individual(s) with clinical features of RTEL1-related conditions (PMID: 37944684). ClinVar contains an entry for this variant (Variation ID: 640501). An algorithm developed to predict the effect of missense changes on protein structure and function (PolyPhen-2) suggests that this variant¬¨‚Ä†is likely to be tolerated. In summary, the available evidence is currently insufficient to determine the role of this variant in disease. Therefore, it has been classified as a Variant of Uncertain Significance.

Natera, Inc.
Classification: Uncertain significance for Dyskeratosis congenita. Last evaluated: 2020-02-26. Review status: no assertion criteria provided. Collection method: clinical testing. Allele origin: germline. Not counted in ClinVar's aggregate classification.

Literature cited by the submitters: PubMed 37944684 (cited by Labcorp Genetics (formerly Invitae), Labcorp).

NM_001283009.2(RTEL1):c.3592G>A (p.Glu1198Lys)

Genes: RTEL1 (regulator of telomere elongation helicase 1; plus strand), RTEL1-TNFRSF6B (RTEL1-TNFRSF6B readthrough (NMD candidate); plus strand). Cytogenetic location: 20q13.33.
Variant type: single nucleotide variant.
Coding change: c.3592G>A on transcript NM_001283009.2 (MANE Select); coding-DNA position 3592, G replaced by A.
Protein change: p.Glu1198Lys; replaces glutamic acid 1198 with lysine.
Molecular consequence: missense variant. On other transcripts: non-coding transcript variant (1).
Genome position (GRCh38, 1-based): chr20:63,695,420, G>A. VCF-style: chr20-63695420-G-A. GRCh37 (hg19) VCF-style: chr20-62326773-G-A.
Other names: c.2923G>A, p.Glu975Lys (NM_001283010.1); c.3592G>A, p.Glu1198Lys (NM_016434.4); c.3664G>A, p.Glu1222Lys (NM_032957.5); short protein forms E1222K, E975K, E1198K.
Identifiers: ClinVar variation 640501 (VCV000640501.7), dbSNP rs771457769, ClinGen allele CA9966136.
Genomic context (GRCh38, chr20:63,695,420, plus strand): 5'-CAGAGCAAGATCTCGTCCTTCCTTAGACAGAGGCCAGCAGGGACTGTGGGGGCGGGCGGT[G>A]AGGATGCAGGTCCCAGCCAGTCCTCAGGACCTCCCCACGGGCCTGCAGCATCTGAGTGGG-3'
Protein context (NP_001269938.1, residues 1188-1208): RPAGTVGAGG[Glu1198Lys]DAGPSQSSGP